The following is an entry in ClinVar:

ClinVar aggregate classification (germline): Likely benign. Review status: criteria provided, multiple submitters, no conflicts (2 of 4 stars). 3 submissions from 3 submitters: Likely benign (2). 1 of the submissions does not count toward it. Last evaluated 2025-12-21.

Conditions:
CREB3L1-related disorder. Also called: CREB3L1-related condition.

Submissions (3):

Labcorp Genetics (formerly Invitae), Labcorp
Classification: Likely benign. Last evaluated: 2025-12-21. Review status: criteria provided, single submitter. Criteria: Invitae Variant Classification Sherloc (09022015). Collection method: clinical testing. Allele origin: germline.

Blueprint Genetics
Classification: Likely benign. Last evaluated: 2024-01-17. Review status: criteria provided, single submitter. Criteria: ACMG Guidelines, 2015. Collection method: clinical testing. Allele origin: germline.

PreventionGenetics, part of Exact Sciences
Classification: Likely benign for CREB3L1-related condition. Last evaluated: 2019-08-07. Review status: no assertion criteria provided. Collection method: clinical testing. Allele origin: germline. Not counted in ClinVar's aggregate classification.
Comment: This variant is classified as likely benign based on ACMG/AMP sequence variant interpretation guidelines (Richards et al. 2015 PMID: 25741868, with internal and published modifications).

NM_052854.4(CREB3L1):c.444T>G (p.Ala148=)

Gene: CREB3L1 (cAMP responsive element binding protein 3 like 1; plus strand). Cytogenetic location: 11p11.2.
Variant type: single nucleotide variant.
Coding change: c.444T>G on transcript NM_052854.4 (MANE Select); coding-DNA position 444, T replaced by G.
Protein change: p.Ala148=; no amino-acid change (alanine 148 retained).
Molecular consequence: synonymous variant.
Genome position (GRCh38, 1-based): chr11:46,307,928, T>G. VCF-style: chr11-46307928-T-G. GRCh37 (hg19) VCF-style: chr11-46329479-T-G.
Other names: c.444T>G, p.Ala148= (NM_001425266.1); c.438T>G, p.Ala146= (NM_001425267.1); c.306T>G, p.Ala102= (NM_001425268.1).
Identifiers: ClinVar variation 3056852 (VCV003056852.4), dbSNP rs1939424181, ClinGen allele CA473861681.